The following is an entry in ClinVar:

NM_001164665.2(KIAA1549):c.4658T>C (p.Leu1553Pro)

Gene: KIAA1549 (KIAA1549; minus strand). Cytogenetic location: 7q34.
Variant type: single nucleotide variant.
Coding change: c.4658T>C on transcript NM_001164665.2 (MANE Select); coding-DNA position 4658, T replaced by C.
Protein change: p.Leu1553Pro; replaces leucine 1553 with proline.
Molecular consequence: missense variant.
Genome position (GRCh38, 1-based): chr7:138,869,655, A>G on the plus strand (T>C on the coding strand, the complement: KIAA1549 is on the minus strand). VCF-style: chr7-138869655-A-G. GRCh37 (hg19) VCF-style: chr7-138554401-A-G.
Other names: c.4658T>C, p.Leu1553Pro (NM_020910.3); short protein forms L1553P.
Identifiers: ClinVar variation 2001393 (VCV002001393.4), dbSNP rs1406752159, ClinGen allele CA369373846.
Genomic context (GRCh38, chr7:138,869,655, plus strand): 5'-TCGATCTGCATCTGTGCCCTGCGGTACACCCGGTGTCGCTCCTTAGTGTCGCCCGAGGAC[A>G]GGTCGTCTACCACCGGGAACTCGTAGTGCCCGCGGCGCTTGGCGCGCAGGCGGATCTTGT-3'
Protein context (NP_001158137.1, residues 1543-1563): GHYEFPVVDD[Leu1553Pro]SSGDTKERHR

ClinVar aggregate classification (germline): Uncertain significance (1 of 4 stars; one submission).

Allele frequency attached by ClinVar (database versions not stated): TOPMed below 0.00001; gnomAD exomes 0.00001.
gnomAD v4.1: 3 of 1,611,976 alleles (0.00019%); highest among the groups gnomAD compares: Admixed American, 0.0033%; no homozygotes.

Submission:

Labcorp Genetics (formerly Invitae), Labcorp
Classification: Uncertain significance. Last evaluated: 2022-08-10. Review status: criteria provided, single submitter. Criteria: Invitae Variant Classification Sherloc (09022015). Collection method: clinical testing. Allele origin: germline.
Comment: In summary, the available evidence is currently insufficient to determine the role of this variant in disease. Therefore, it has been classified as a Variant of Uncertain Significance. Algorithms developed to predict the effect of missense changes on protein structure and function (SIFT, PolyPhen-2, Align-GVGD) all suggest that this variant is likely to be disruptive. This variant has not been reported in the literature in individuals affected with KIAA1549-related conditions. The frequency data for this variant in the population databases is considered unreliable, as metrics indicate poor data quality at this position in the gnomAD database. This sequence change replaces leucine, which is neutral and non-polar, with proline, which is neutral and non-polar, at codon 1553 of the KIAA1549 protein (p.Leu1553Pro).